The following is an entry in ClinVar:

NM_000032.5(ALAS2):c.352G>A (p.Gly118Ser)

Genes: ALAS2 (5'-aminolevulinate synthase 2; minus strand), LOC108663984 (ALAS2 intron 1 and 3 erythroid regulatory elements; plus strand). Cytogenetic location: Xp11.21.
Variant type: single nucleotide variant.
Coding change: c.352G>A on transcript NM_000032.5 (MANE Select); coding-DNA position 352, G replaced by A.
Protein change: p.Gly118Ser; replaces glycine 118 with serine.
Molecular consequence: missense variant. On other transcripts: intron variant (2).
Genome position (GRCh38, 1-based): chrX:55,023,820, C>T on the plus strand (G>A on the coding strand, the complement: ALAS2 is on the minus strand). VCF-style: chrX-55023820-C-T. GRCh37 (hg19) VCF-style: chrX-55050253-C-T.
Other names: c.304+898G>A (NM_001037967.4); c.376+898G>A (NM_001037968.4); short protein forms G118S.
Identifiers: ClinVar variation 2443107 (VCV002443107.28), dbSNP rs758290167, ClinGen allele CA10428434.

ClinVar aggregate classification (germline): Conflicting classifications of pathogenicity. Review status: criteria provided, conflicting classifications (1 of 4 stars). 4 submissions from 4 submitters: Uncertain significance (1); Likely benign (2). 1 of the submissions does not count toward it. Last evaluated 2025-11-20.

Conditions:
Inborn genetic diseases. Identifiers: MedGen C0950123, MeSH D030342.

Allele frequency attached by ClinVar (database versions not stated): gnomAD exomes 0.00001; TOPMed 0.00001; ExAC 0.00004; gnomAD 0.00006; 1000 Genomes Project 30x 0.00021; 1000 Genomes Project 0.00026.

Submissions (4):

Ambry Genetics
Classification: Likely benign for Inborn genetic diseases. Last evaluated: 2025-11-20. Review status: criteria provided, single submitter. Criteria: Ambry Variant Classification Scheme 2023. Collection method: clinical testing. Allele origin: germline.

Labcorp Genetics (formerly Invitae), Labcorp
Classification: Uncertain significance. Last evaluated: 2025-11-03. Review status: criteria provided, single submitter. Criteria: Invitae Variant Classification Sherloc (09022015). Collection method: clinical testing. Allele origin: germline.
Comment: This sequence change replaces glycine, which is neutral and non-polar, with serine, which is neutral and polar, at codon 118 of the ALAS2 protein (p.Gly118Ser). This variant is present in population databases (rs758290167, gnomAD 0.008%). This variant has not been reported in the literature in individuals affected with ALAS2-related conditions. ClinVar contains an entry for this variant (Variation ID: 2443107). Invitae Evidence Modeling of protein sequence and biophysical properties (such as structural, functional, and spatial information, amino acid conservation, physicochemical variation, residue mobility, and thermodynamic stability) indicates that this missense variant is not expected to disrupt ALAS2 protein function with a negative predictive value of 95%. In summary, the available evidence is currently insufficient to determine the role of this variant in disease. Therefore, it has been classified as a Variant of Uncertain Significance.

CeGaT Center for Human Genetics Tuebingen
Classification: Likely benign. Last evaluated: 2025-04-01. Review status: criteria provided, single submitter. Criteria: CeGaT Center For Human Genetics Tuebingen Variant Classification Criteria Version 2. Collection method: clinical testing. Allele origin: germline. Affected: yes. Observed: 2 variant alleles.
Comment: ALAS2: BS2

Genetic Services Laboratory, University of Chicago
Classification: Uncertain significance. Last evaluated: 2022-09-07. Review status: no assertion criteria provided. Collection method: clinical testing. Allele origin: germline. Affected: no. Not counted in ClinVar's aggregate classification.
Comment: DNA sequence analysis of the ALAS2 gene demonstrated a sequence change, c.352G>A, in exon 4 that results in an amino acid change, p.Gly118Ser. This sequence change does not appear to have been previously described in individuals with ALAS2-related disorders. This sequence change has been described in the gnomAD database with a frequency of 0.002% in the overall population (dbSNP rs758290167). The p.Gly118Ser change affects a poorly conserved amino acid residue located in a domain of the ALAS2 protein that is not known to be functional. The p.Gly118Ser substitution appears to be benign using several in-silico pathogenicity prediction tools (SIFT, PolyPhen2, Align GVGD, REVEL). Due to insufficient evidences and the lack of functional studies, the clinical significance of the p.Gly118Ser change remains unknown at this time.